The following is an entry in ClinVar:

NM_000059.4(BRCA2):c.3539A>G (p.Lys1180Arg)

Gene: BRCA2 (BRCA2 DNA repair associated; plus strand). Cytogenetic location: 13q13.1.
Variant type: single nucleotide variant.
Coding change: c.3539A>G on transcript NM_000059.4 (MANE Select); coding-DNA position 3539, A replaced by G.
Protein change: p.Lys1180Arg; replaces lysine 1180 with arginine.
Molecular consequence: missense variant.
Genome position (GRCh38, 1-based): chr13:32,337,894, A>G. VCF-style: chr13-32337894-A-G. GRCh37 (hg19) VCF-style: chr13-32912031-A-G.
Other names: 3767A>G; short protein forms K1180R.
Identifiers: ClinVar variation 51484 (VCV000051484.84), dbSNP rs28897720, ClinGen allele CA018286.
Genomic context (GRCh38, chr13:32,337,894, plus strand): 5'-GAGATGCTGATCTTCATGTCATAATGAATGCCCCATCGATTGGTCAGGTAGACAGCAGCA[A>G]GCAATTTGAAGGTACAGTTGAAATTAAACGGAAGTTTGCTGGCCTGTTGAAAAATGACTG-3'
Protein context (NP_000050.3, residues 1170-1190): APSIGQVDSS[Lys1180Arg]QFEGTVEIKR

ClinVar aggregate classification (germline): Conflicting classifications of pathogenicity. Review status: criteria provided, conflicting classifications (1 of 4 stars). 18 submissions from 18 submitters: Uncertain significance (8); Benign (1); Likely benign (5). 4 of the submissions do not count toward it. Last evaluated 2026-05-22.

Conditions:
Hereditary breast ovarian cancer syndrome. Also called: Breast and ovarian cancer; Hereditary breast and ovarian cancer; Hereditary breast and ovarian cancer syndrome (HBOC); Hereditary breast and ovarian cancer syndrome; BRCA1- and BRCA2-Associated Hereditary Breast and Ovarian Cancer; Hereditary breast and/or ovarian cancer syndrome. Identifiers: Orphanet 145, MedGen C0677776, MeSH D061325, MONDO:0003582. Disease mechanism: loss of function.
Fanconi anemia complementation group D1. Also called: BRCA2-Related Fanconi Anemia. Identifiers: Orphanet 319462, MedGen C1838457, MONDO:0011584, OMIM 605724.
BRCA2-related disorder. Also called: BRCA2-related condition; BRCA2-related disorders. Identifiers: MedGen CN239275.
Familial prostate cancer. Also called: Hereditary Prostate Cancer. Identifiers: MedGen C2931456, MONDO:0700275, OMIM 176807.
Hereditary cancer-predisposing syndrome. Also called: Neoplastic Syndromes, Hereditary; Tumor predisposition; Hereditary Cancer Syndrome; Hereditary neoplastic syndrome. Identifiers: Orphanet 140162, MedGen C0027672, MeSH D009386, MONDO:0015356.
Breast-ovarian cancer, familial, susceptibility to, 2 (BROVCA2). Also called: BRCA2 Hereditary Breast and Ovarian Cancer. Identifiers: Orphanet 145, MedGen C2675520, MONDO:0012933, OMIM 612555. Disease mechanism: loss of function.

Allele frequency attached by ClinVar (database versions not stated): ExAC 0.00002; gnomAD exomes 0.00002 and 0.00006; TOPMed 0.00004; gnomAD 0.00005.
gnomAD v4.1: 97 of 1,613,996 alleles (0.006%); highest among the groups gnomAD compares: Non-Finnish European, 0.0075%; no homozygotes.

Submissions 1 to 13 of 18:

Women's Health and Genetics/Laboratory Corporation of America, LabCorp
Classification: Uncertain significance. Last evaluated: 2026-05-22. Review status: criteria provided, single submitter. Criteria: LabCorp Variant Classification Summary - May 2015. Collection method: clinical testing. Allele origin: germline.
Comment: Variant summary: BRCA2 c.3539A>G (p.Lys1180Arg) results in a conservative amino acid change in the encoded protein sequence. Algorithms developed to predict the effect of missense changes on protein structure and function all suggest that this variant is likely to be tolerated. The variant allele was found at a frequency of 2.4e-05 in 250926 control chromosomes. The available data on variant occurrences in the general population are insufficient to allow any conclusion about variant significance. c.3539A>G has been observed in individual(s) with a personal or family history of breast cancer, ovarian cancer, or pancreatic cancer, as well as controls (Klemp_2000, Abe_2019, Dorling_2021, Lila_2024). These report(s) do not provide unequivocal conclusions about association of the variant with disease. At least one co-occurrence with another pathogenic variant has been reported in the BRCA share database (BRCA2 c.8070_8071dup, p.Ser2691PhefsX4), providing supporting evidence for a benign role. At least one publication reports experimental evidence evaluating an impact on protein function. These results showed no damaging effect of this variant (Billaud_2021, Biswas_2023). The following publications have been ascertained in the context of this evaluation (PMID: 30883245, 34749799, 37922907, 33471991, 10882858, 39733403). ClinVar contains an entry for this variant (Variation ID: 51484). Based on the evidence outlined above, the variant was classified as VUS-possibly benign.

Labcorp Genetics (formerly Invitae), Labcorp
Classification: Uncertain significance for Hereditary breast ovarian cancer syndrome. Last evaluated: 2026-01-26. Review status: criteria provided, single submitter. Criteria: Invitae Variant Classification Sherloc (09022015). Collection method: clinical testing. Allele origin: germline.
Comment: This sequence change replaces lysine, which is basic and polar, with arginine, which is basic and polar, at codon 1180 of the BRCA2 protein (p.Lys1180Arg). This variant is present in population databases (rs28897720, gnomAD 0.007%). This missense change has been observed in individual(s) with pancreatic cancer (PMID: 30883245). ClinVar contains an entry for this variant (Variation ID: 51484). Invitae Evidence Modeling of protein sequence and biophysical properties (such as structural, functional, and spatial information, amino acid conservation, physicochemical variation, residue mobility, and thermodynamic stability) indicates that this missense variant is not expected to disrupt BRCA2 protein function with a negative predictive value of 95%. Experimental studies have shown that this missense change does not substantially affect BRCA2 function (PMID: 37922907). In summary, the available evidence is currently insufficient to determine the role of this variant in disease. Therefore, it has been classified as a Variant of Uncertain Significance.

PreventionGenetics, part of Exact Sciences
Classification: Uncertain significance for BRCA2-related condition. Last evaluated: 2026-01-08. Review status: criteria provided, single submitter. Criteria: ACMG Guidelines, 2015. Collection method: clinical testing. Allele origin: germline.
Comment: The BRCA2 c.3539A>G variant is predicted to result in the amino acid substitution p.Lys1180Arg. This variant has been reported as uncertain in an individual with breast cancer (reported as K1180R in Klemp et al. 2000. PubMed ID: 10882858), and has also been identified in one older unaffected individual who had a family history of pancreatic cancer (Table A3, Abe et al. 2019. PubMed ID: 30883245). Functional studies have demonstrated that this variant has no damaging effect and is functional (Biswas et al. 2023. PubMed ID: 37922907). This variant is reported in 0.0062% of alleles in individuals of African descent in gnomAD, and has conflicting interpretations regarding its pathogenicity in ClinVar, ranging from benign to uncertain. Although we suspect that this variant may be benign, at this time, the clinical significance of this variant is uncertain due to the absence of conclusive functional and genetic evidence.

Institute for Biomarker Research, Medical Diagnostic Laboratories, L.L.C.
Classification: Uncertain significance for Hereditary breast ovarian cancer syndrome. Last evaluated: 2024-12-23. Review status: criteria provided, single submitter. Criteria: ACMG Guidelines, 2015. Collection method: clinical testing. Allele origin: germline.
Comment: The missense variant NM_000059.4(BRCA2):c.3539A>G (p.Lys1180Arg) has not been reported previously as a pathogenic variant, to our knowledge. The p.Lys1180Arg variant is observed in 1/16,232 (0.0062%) alleles from individuals of gnomAD African background in gnomAD. The p.Lys1180Arg missense variant is predicted to be tolerated by both SIFT or PolyPhen2. The nucleotide c.3539 in BRCA2 is not conserved according to a GERP++ and PhyloP analysis of 100 vertebrates. For these reasons, this variant has been classified as Uncertain Significance

GeneDx
Classification: Uncertain significance. Last evaluated: 2024-08-27. Review status: criteria provided, single submitter. Criteria: GeneDx Variant Classification Process June 2021. Collection method: clinical testing. Allele origin: germline. Affected: yes.
Comment: Observed in individuals with a personal and/or family history of breast, prostate, or pancreatic cancer, as well as unaffected controls from a breast cancer study (PMID: 10882858, 26689913, 30883245, 33471991); In silico analysis indicates that this missense variant does not alter protein structure/function; Also known as c.3767A>G; This variant is associated with the following publications: (PMID: 10923033, 30883245, 10882858, 27633797, 31911673, 32377563, 31131967, 29884841, 33471991, 26689913, 37922907, 34749799)

Department of Pathology and Laboratory Medicine, Sinai Health System
Classification: Likely benign for Familial prostate cancer. Last evaluated: 2024-04-29. Review status: criteria provided, single submitter. Criteria: ACMG Guidelines, 2015. Collection method: clinical testing. Allele origin: germline. Affected: yes.

Blueprint Genetics
Classification: Likely benign. Last evaluated: 2024-04-12. Review status: criteria provided, single submitter. Criteria: ACMG Guidelines, 2015. Collection method: clinical testing. Allele origin: germline.

University of Washington Department of Laboratory Medicine, University of Washington
Classification: Likely benign for Hereditary cancer-predisposing syndrome. Last evaluated: 2023-03-23. Review status: criteria provided, single submitter. Criteria: Dines et al. (Genet Med. 2020). Collection method: curation. Allele origin: germline.
Comment: Missense variant in a coldspot region where missense variants are very unlikely to be pathogenic (PMID:31911673).

BRCA2 exon 11 coldspot. Reclassification based on statistical prior probability.

Quest Diagnostics Nichols Institute San Juan Capistrano
Classification: Likely benign. Last evaluated: 2022-10-17. Review status: criteria provided, single submitter. Criteria: Quest Diagnostics criteria. Collection method: clinical testing. Allele origin: unknown.

CeGaT Center for Human Genetics Tuebingen
Classification: Uncertain significance. Last evaluated: 2020-09-01. Review status: criteria provided, single submitter. Criteria: CeGaT Center For Human Genetics Tuebingen Variant Classification Criteria Version 2. Collection method: clinical testing. Allele origin: germline. Affected: yes. Observed: 1 variant allele.

Mendelics
Classification: Uncertain significance for Breast-ovarian cancer, familial, susceptibility to, 2. Last evaluated: 2019-05-28. Review status: criteria provided, single submitter. Criteria: Mendelics Assertion Criteria 2017. Collection method: clinical testing. Allele origin: unknown.

Ambry Genetics
Classification: Likely benign for Hereditary cancer-predisposing syndrome. Last evaluated: 2018-02-14. Review status: criteria provided, single submitter. Criteria: Ambry Variant Classification Scheme 2023. Collection method: clinical testing. Allele origin: germline.

ARUP Laboratories, Molecular Genetics and Genomics, ARUP Laboratories
Classification: Uncertain significance. Last evaluated: 2017-03-23. Review status: criteria provided, single submitter. Criteria: ARUP Molecular Germline Variant Investigation Process. Collection method: clinical testing. Allele origin: germline.